The following is an entry in ClinVar:

NM_001083926.2(ASRGL1):c.873C>T (p.Gly291=)

Gene: ASRGL1 (asparaginase and isoaspartyl peptidase 1; plus strand). Cytogenetic location: 11q12.3.
Variant type: single nucleotide variant.
Coding change: c.873C>T on transcript NM_001083926.2 (MANE Select); coding-DNA position 873, C replaced by T.
Protein change: p.Gly291=; no amino-acid change (glycine 291 retained).
Molecular consequence: synonymous variant.
Genome position (GRCh38, 1-based): chr11:62,392,230, C>T. VCF-style: chr11-62392230-C-T. GRCh37 (hg19) VCF-style: chr11-62159702-C-T.
Other names: c.873C>T, p.Gly291= (NM_025080.4).
Identifiers: ClinVar variation 3625504 (VCV003625504.2).
Genomic context (GRCh38, chr11:62,392,230, plus strand): 5'-AGGAGACTGGGTGGCAAAGTGGACCTCCACCTCCATGCCCTGGGCAGCCGCCAAGGACGG[C>T]AAGCTGCACTTCGGAATTGATCCTGACGATACTACTATCACCGACCTTCCCTAAGCCGCT-3'
Protein context (NP_001077395.1, residues 281-301): TSMPWAAAKD[Gly291=]KLHFGIDPDD

ClinVar aggregate classification (germline): Uncertain significance (1 of 4 stars; one submission).

Submission:

Labcorp Genetics (formerly Invitae), Labcorp
Classification: Uncertain significance. Last evaluated: 2024-03-28. Review status: criteria provided, single submitter. Criteria: Invitae Variant Classification Sherloc (09022015). Collection method: clinical testing. Allele origin: germline.
Comment: This sequence change affects codon 291 of the ASRGL1 mRNA. It is a 'silent' change, meaning that it does not change the encoded amino acid sequence of the ASRGL1 protein. This variant is not present in population databases (gnomAD no frequency). This variant has not been reported in the literature in individuals affected with ASRGL1-related conditions. Algorithms developed to predict the effect of sequence changes on RNA splicing suggest that this variant may create or strengthen a splice site. In summary, the available evidence is currently insufficient to determine the role of this variant in disease. Therefore, it has been classified as a Variant of Uncertain Significance.